The following is an entry in ClinVar:

ClinVar aggregate classification (germline): Uncertain significance. Review status: criteria provided, multiple submitters, no conflicts (2 of 4 stars). 4 submissions from 4 submitters: Uncertain significance (3). 1 of the submissions does not count toward it. Last evaluated 2026-01-26.

Conditions:
Hereditary cancer-predisposing syndrome. Also called: Tumor predisposition; Hereditary neoplastic syndrome; Neoplastic Syndromes, Hereditary; Hereditary Cancer Syndrome. Identifiers: Orphanet 140162, MedGen C0027672, MeSH D009386, MONDO:0015356.
Hereditary diffuse gastric adenocarcinoma (HDGC). Also called: DIFFUSE GASTRIC AND LOBULAR BREAST CANCER SYNDROME. Identifiers: Orphanet 26106, MedGen C1708349, MONDO:0007648, OMIM 137215.

gnomAD v4.1: 3 of 1,614,036 alleles (0.00019%); highest among the groups gnomAD compares: Non-Finnish European, 0.00025%; no homozygotes.

Submissions (4):

Labcorp Genetics (formerly Invitae), Labcorp
Classification: Uncertain significance for Hereditary diffuse gastric adenocarcinoma. Last evaluated: 2026-01-26. Review status: criteria provided, single submitter. Criteria: Invitae Variant Classification Sherloc (09022015). Collection method: clinical testing. Allele origin: germline.
Comment: This sequence change replaces alanine, which is neutral and non-polar, with glycine, which is neutral and non-polar, at codon 408 of the CDH1 protein (p.Ala408Gly). This variant is present in population databases (no rsID available, gnomAD 0.0009%). This missense change has been observed in individual(s) with breast or ovarian cancer (PMID: 26898890). ClinVar contains an entry for this variant (Variation ID: 220109). An algorithm developed to predict the effect of missense changes on protein structure and function (PolyPhen-2) suggests that this variant is likely to be disruptive. RNA analysis performed to evaluate the impact of this missense change on mRNA splicing indicates it does not significantly alter splicing (internal data). In summary, the available evidence is currently insufficient to determine the role of this variant in disease. Therefore, it has been classified as a Variant of Uncertain Significance.

Ambry Genetics
Classification: Uncertain significance for Hereditary cancer-predisposing syndrome. Last evaluated: 2023-09-16. Review status: criteria provided, single submitter. Criteria: Ambry Variant Classification Scheme 2023. Collection method: clinical testing. Allele origin: germline.
Comment: The p.A408G variant (also known as c.1223C>G), located in coding exon 9 of the CDH1 gene, results from a C to G substitution at nucleotide position 1223. The alanine at codon 408 is replaced by glycine, an amino acid with similar properties. This amino acid position is well conserved in available vertebrate species. In addition, this alteration is predicted to be tolerated by in silico analysis. Since supporting evidence is limited at this time, the clinical significance of this alteration remains unclear.

Myriad Genetics, Inc.
Classification: Uncertain significance for Hereditary diffuse gastric adenocarcinoma. Last evaluated: 2023-03-03. Review status: criteria provided, single submitter. Criteria: Myriad Autosomal Dominant, Autosomal Recessive and X-Linked Classification Criteria (2023). Collection method: clinical testing. Allele origin: unknown.
Comment: This variant is classified as a variant of uncertain significance as there is insufficient evidence to determine its impact on protein function and/or cancer risk.

Counsyl
Classification: Uncertain significance for Hereditary diffuse gastric adenocarcinoma. Last evaluated: 2017-10-19. Review status: no assertion criteria provided. Collection method: clinical testing. Allele origin: unknown. Not counted in ClinVar's aggregate classification.

Literature cited by the submitters: PubMed 26898890 (cited by Labcorp Genetics (formerly Invitae), Labcorp and Counsyl).

NM_004360.5(CDH1):c.1223C>G (p.Ala408Gly)

Gene: CDH1 (cadherin 1; plus strand). Cytogenetic location: 16q22.1.
Variant type: single nucleotide variant.
Coding change: c.1223C>G on transcript NM_004360.5 (MANE Select); coding-DNA position 1223, C replaced by G.
Protein change: p.Ala408Gly; replaces alanine 408 with glycine.
Molecular consequence: missense variant. On other transcripts: 5 prime UTR variant (2), intron variant (1).
Genome position (GRCh38, 1-based): chr16:68,813,398, C>G. VCF-style: chr16-68813398-C-G. GRCh37 (hg19) VCF-style: chr16-68847301-C-G.
Other names: c.1223C>G (LRG_301t1); c.-393C>G (NM_001317185.2); c.-597C>G (NM_001317186.2); c.1137+1135C>G (NM_001317184.2); short protein forms A408G.
Identifiers: ClinVar variation 220109 (VCV000220109.16), dbSNP rs138135866, ClinGen allele CA349086.
Genomic context (GRCh38, chr16:68,813,398, plus strand): 5'-AGGCTAACGTCGTAATCACCACACTGAAAGTGACTGATGCTGATGCCCCCAATACCCCAG[C>G]GTGGGAGGCTGTATACACCATATTGAATGATGATGGTGGACAATTTGTCGTCACCACAAA-3'
Protein context (NP_004351.1, residues 398-418): VTDADAPNTP[Ala408Gly]WEAVYTILND